The following is an entry in ClinVar:

NM_000214.3(JAG1):c.289G>C (p.Gly97Arg)

Gene: JAG1 (jagged canonical Notch ligand 1; minus strand). Cytogenetic location: 20p12.2.
Variant type: single nucleotide variant.
Coding change: c.289G>C on transcript NM_000214.3 (MANE Select); coding-DNA position 289, G replaced by C.
Protein change: p.Gly97Arg; replaces glycine 97 with arginine.
Molecular consequence: missense variant.
Genome position (GRCh38, 1-based): chr20:10,672,799, C>G on the plus strand (G>C on the coding strand, the complement: JAG1 is on the minus strand). VCF-style: chr20-10672799-C-G. GRCh37 (hg19) VCF-style: chr20-10653447-C-G.
Other names: short protein forms G97R.
Identifiers: ClinVar variation 931652 (VCV000931652.3), dbSNP rs2067506326, ClinGen allele CA408242824.

ClinVar aggregate classification (germline): Uncertain significance (1 of 4 stars; one submission).

Conditions:
Tetralogy of Fallot (TOF). Identifiers: Orphanet 3303, MedGen C0039685, MONDO:0008542, OMIM 187500, HP:0001636.

Allele frequency attached by ClinVar (database versions not stated): gnomAD exomes below 0.00001.
gnomAD v4.1: 2 of 1,613,170 alleles (0.00012%); highest among the groups gnomAD compares: Non-Finnish European, 0.00017%; no homozygotes.

Submission:

Centre for Mendelian Genomics, University Medical Centre Ljubljana
Classification: Uncertain significance for Tetralogy of Fallot. Last evaluated: 2019-11-14. Review status: criteria provided, single submitter. Criteria: ACMG Guidelines, 2015. Collection method: clinical testing. Allele origin: unknown. Affected: yes.
Comment: This variant was classified as: Uncertain significance. The available evidence on this variant's pathogenicity is insufficient or conflicting. The following ACMG criteria were applied in classifying this variant: PM2,PP3.